The following is an entry in ClinVar:

ClinVar aggregate classification (germline): Uncertain significance (1 of 4 stars; one submission).

gnomAD v4.1: 12 of 1,613,996 alleles (0.00074%); highest among the groups gnomAD compares: Non-Finnish European, 0.00093%; no homozygotes.

Submission:

Labcorp Genetics (formerly Invitae), Labcorp
Classification: Uncertain significance. Last evaluated: 2023-07-31. Review status: criteria provided, single submitter. Criteria: Invitae Variant Classification Sherloc (09022015). Collection method: clinical testing. Allele origin: germline.
Comment: In summary, the available evidence is currently insufficient to determine the role of this variant in disease. Therefore, it has been classified as a Variant of Uncertain Significance. An algorithm developed to predict the effect of missense changes on protein structure and function (PolyPhen-2) suggests that this variant is likely to be disruptive. This variant has not been reported in the literature in individuals affected with CARD8-related conditions. This variant is not present in population databases (gnomAD no frequency). This sequence change replaces tyrosine, which is neutral and polar, with serine, which is neutral and polar, at codon 238 of the CARD8 protein (p.Tyr238Ser).

NM_001184900.3(CARD8):c.863A>C (p.Tyr288Ser)

Gene: CARD8 (caspase recruitment domain family member 8; minus strand). Cytogenetic location: 19q13.33.
Variant type: single nucleotide variant.
Coding change: c.863A>C on transcript NM_001184900.3 (MANE Select); coding-DNA position 863, A replaced by C.
Protein change: p.Tyr288Ser; replaces tyrosine 288 with serine.
Molecular consequence: missense variant. On other transcripts: non-coding transcript variant (4).
Genome position (GRCh38, 1-based): chr19:48,230,610, T>G on the plus strand (A>C on the coding strand, the complement: CARD8 is on the minus strand). VCF-style: chr19-48230610-T-G. GRCh37 (hg19) VCF-style: chr19-48733867-T-G.
Other names: c.713A>C, p.Tyr238Ser (NM_001184901.1, NM_001351783.2, NM_001351788.2 and 2 more transcripts); c.863A>C, p.Tyr288Ser (NM_001184902.2, NM_001184903.1, NM_001351782.2); c.548A>C, p.Tyr183Ser (NM_001351784.2, NM_001351787.2, NM_001351791.2 and 1 more transcripts); c.527A>C, p.Tyr176Ser (NM_001351786.2); c.620A>C, p.Tyr207Ser (NM_001351790.2); c.545A>C, p.Tyr182Ser (NM_001365950.1); c.38A>C, p.Tyr13Ser (NM_001426741.1); short protein forms Y238S, Y13S, Y182S, Y207S, Y176S, Y183S, Y288S.
Identifiers: ClinVar variation 2833849 (VCV002833849.3), dbSNP rs761116872, ClinGen allele CA309289323.